The following is an entry in ClinVar:

ClinVar aggregate classification (germline): Likely benign (1 of 4 stars; one submission).

gnomAD v4.1: 1 of 1,614,164 alleles (0.000062%); no homozygotes.

Submission:

CeGaT Center for Human Genetics Tuebingen
Classification: Likely benign. Last evaluated: 2022-04-01. Review status: criteria provided, single submitter. Criteria: CeGaT Center For Human Genetics Tuebingen Variant Classification Criteria Version 2. Collection method: clinical testing. Allele origin: germline. Affected: yes. Observed: 1 variant allele.
Comment: ZNF462: PM2, BP4, BS2

NM_021224.6(ZNF462):c.2263T>C (p.Phe755Leu)

Gene: ZNF462 (zinc finger protein 462; plus strand). Cytogenetic location: 9q31.2.
Variant type: single nucleotide variant.
Coding change: c.2263T>C on transcript NM_021224.6 (MANE Select); coding-DNA position 2263, T replaced by C.
Protein change: p.Phe755Leu; replaces phenylalanine 755 with leucine.
Molecular consequence: missense variant.
Genome position (GRCh38, 1-based): chr9:106,926,175, T>C. VCF-style: chr9-106926175-T-C. GRCh37 (hg19) VCF-style: chr9-109688456-T-C.
Other names: c.2263T>C, p.Phe755Leu (NM_001347997.2); short protein forms F755L.
Identifiers: ClinVar variation 1695258 (VCV001695258.31), dbSNP rs1830185151, ClinGen allele CA374389243.